The following is an entry in ClinVar:

NM_006885.4(ZFHX3):c.6042G>C (p.Gln2014His)

Genes: ZFHX3 (zinc finger homeobox 3; minus strand), ZFHX3-AS1 (ZFHX3 antisense RNA 1; plus strand). Cytogenetic location: 16q22.2.
Variant type: single nucleotide variant.
Coding change: c.6042G>C on transcript NM_006885.4 (MANE Select); coding-DNA position 6042, G replaced by C.
Protein change: p.Gln2014His; replaces glutamine 2014 with histidine.
Molecular consequence: missense variant.
Genome position (GRCh38, 1-based): chr16:72,796,640, C>G on the plus strand (G>C on the coding strand, the complement: ZFHX3 is on the minus strand). VCF-style: chr16-72796640-C-G. GRCh37 (hg19) VCF-style: chr16-72830539-C-G.
Other names: c.3300G>C, p.Gln1100His (NM_001164766.2); c.6042G>C, p.Gln2014His (NM_001386735.1); short protein forms Q1100H, Q2014H.
Identifiers: ClinVar variation 3041944 (VCV003041944.2), dbSNP rs62051555, ClinGen allele CA8163496.

ClinVar aggregate classification (germline): Benign (0 of 4 stars; one submission).

Conditions:
ZFHX3-related disorder. Also called: ZFHX3-related condition.

Allele frequency attached by ClinVar (database versions not stated): 1000 Genomes Project 0.01438; 1000 Genomes Project 30x 0.01452; ExAC 0.02595; ESP Exome Variant Server 0.02878.
gnomAD v4.1: 61,082 of 1,613,964 alleles (3.8%); highest among the groups gnomAD compares: Non-Finnish European, 4.5%; 1,464 homozygotes.

Submission:

PreventionGenetics, part of Exact Sciences
Classification: Benign for ZFHX3-related condition. Last evaluated: 2019-05-24. Review status: no assertion criteria provided. Collection method: clinical testing. Allele origin: germline.
Comment: This variant is classified as benign based on ACMG/AMP sequence variant interpretation guidelines (Richards et al. 2015 PMID: 25741868, with internal and published modifications).